The following is an entry in ClinVar:

ClinVar aggregate classification (germline): Uncertain significance (1 of 4 stars; one submission).

Conditions:
Hereditary nonpolyposis colorectal neoplasms. Identifiers: MedGen C0009405, MeSH D003123.

Submission:

Labcorp Genetics (formerly Invitae), Labcorp
Classification: Uncertain significance for Hereditary nonpolyposis colorectal neoplasms. Last evaluated: 2026-02-04. Review status: criteria provided, single submitter. Criteria: Invitae Variant Classification Sherloc (09022015). Collection method: clinical testing. Allele origin: germline.
Comment: This sequence change replaces proline, which is neutral and non-polar, with glutamine, which is neutral and polar, at codon 319 of the PMS2 protein (p.Pro319Gln). This variant is not present in population databases (gnomAD no frequency). This variant has not been reported in the literature in individuals affected with PMS2-related conditions. Invitae Evidence Modeling incorporating data from in vitro experimental studies (internal data) indicates that this missense variant is expected to disrupt PMS2 function with a positive predictive value of 95%. In summary, the available evidence is currently insufficient to determine the role of this variant in disease. Therefore, it has been classified as a Variant of Uncertain Significance.

NM_000535.7(PMS2):c.956C>A (p.Pro319Gln)

Gene: PMS2 (PMS1 homolog 2, mismatch repair system component; minus strand). Cytogenetic location: 7p22.1.
Variant type: single nucleotide variant.
Coding change: c.956C>A on transcript NM_000535.7 (MANE Select); coding-DNA position 956, C replaced by A.
Protein change: p.Pro319Gln; replaces proline 319 with glutamine.
Molecular consequence: missense variant. On other transcripts: non-coding transcript variant (1), intron variant (1).
Genome position (GRCh38, 1-based): chr7:5,992,005, G>T on the plus strand (C>A on the coding strand, the complement: PMS2 is on the minus strand). VCF-style: chr7-5992005-G-T. GRCh37 (hg19) VCF-style: chr7-6031636-G-T.
Other names: c.551C>A, p.Pro184Gln (NM_001322003.2, NM_001322004.2, NM_001322005.2 and 19 more transcripts); c.956C>A, p.Pro319Gln (NM_001322006.2, NM_001322014.2, NM_001406870.1 and 2 more transcripts); c.638C>A, p.Pro213Gln (NM_001322007.2, NM_001322008.2, NM_001406876.1 and 4 more transcripts); c.23C>A, p.Pro8Gln (NM_001322011.2, NM_001322012.2); c.383C>A, p.Pro128Gln (NM_001322013.2, NM_001406909.1); c.647C>A, p.Pro216Gln (NM_001322015.2, NM_001406875.1, NM_001406877.1 and 6 more transcripts); c.1142C>A, p.Pro381Gln (NM_001406866.1); c.980C>A, p.Pro327Gln (NM_001406868.1); and 8 more; short protein forms P128Q, P148Q, P216Q, P381Q, P62Q, P197Q, P253Q, P283Q.
Identifiers: ClinVar variation 4711155 (VCV004711155.1).
Genomic context (GRCh38, chr7:5,992,005, plus strand): 5'-GTTGTACTGAAATGCCAATGGAACTTACCTGAATCAACAGAAATGTTAAGAACAACAAAT[G>T]GATACTGGTGTCGATTATACATGTGGTAGACCTCATTCACGAGTCTGCAGACCTGCACAA-3'
Protein context (NP_000526.2, residues 309-329): VYHMYNRHQY[Pro319Gln]FVVLNISVDS